The following is an entry in ClinVar:

NM_000170.3(GLDC):c.1738C>G (p.His580Asp)

Gene: GLDC (glycine decarboxylase; minus strand). Cytogenetic location: 9p24.1.
Variant type: single nucleotide variant.
Coding change: c.1738C>G on transcript NM_000170.3 (MANE Select); coding-DNA position 1738, C replaced by G.
Protein change: p.His580Asp; replaces histidine 580 with aspartic acid.
Molecular consequence: missense variant.
Genome position (GRCh38, 1-based): chr9:6,587,253, G>C on the plus strand (C>G on the coding strand, the complement: GLDC is on the minus strand). VCF-style: chr9-6587253-G-C. GRCh37 (hg19) VCF-style: chr9-6587253-G-C.
Other names: short protein forms H580D.
Identifiers: ClinVar variation 549990 (VCV000549990.16), dbSNP rs1164241828, ClinGen allele CA372891763.
Genomic context (GRCh38, chr9:6,587,253, plus strand): 5'-TCTCAAGCTCTCGGAAAAGCTGCTGATATCCTTGAGCTTGATCCAGAGGCACAAAGGGGT[G>C]GATGTTTGCAAATTCTTTCCATGTGATAGGCTGAAAAGAAAGAAAACAAAAATGCATATA-3'
Protein context (NP_000161.2, residues 570-590): PITWKEFANI[His580Asp]PFVPLDQAQG

ClinVar aggregate classification (germline): Conflicting classifications of pathogenicity. Review status: criteria provided, conflicting classifications (1 of 4 stars). 3 submissions from 3 submitters: Pathogenic (1); Uncertain significance (1). 1 of the submissions does not count toward it. Last evaluated 2025-02-02.

Conditions:
Glycine encephalopathy 1 (GCE1). Identifiers: MedGen CN376801, MONDO:0958179, OMIM 605899.
Glycine encephalopathy. Also called: Non-ketotic hyperglycinemia; Nonketotic hyperglycinemia. Identifiers: Orphanet 407, MedGen C0751748, MONDO:0011612, HP:0008288.

Allele frequency attached by ClinVar (database versions not stated): gnomAD exomes below 0.00001; TOPMed below 0.00001.
gnomAD v4.1: 3 of 1,613,824 alleles (0.00019%); highest among the groups gnomAD compares: Non-Finnish European, 0.00025%; no homozygotes.

Submissions (3):

Labcorp Genetics (formerly Invitae), Labcorp
Classification: Pathogenic for Glycine encephalopathy. Last evaluated: 2025-02-02. Review status: criteria provided, single submitter. Criteria: Invitae Variant Classification Sherloc (09022015). Collection method: clinical testing. Allele origin: germline.
Comment: This sequence change replaces histidine, which is basic and polar, with aspartic acid, which is acidic and polar, at codon 580 of the GLDC protein (p.His580Asp). This variant is not present in population databases (gnomAD no frequency). This missense change has been observed in individual(s) with nonketotic hyperglycinemia (PMID: 27362913). ClinVar contains an entry for this variant (Variation ID: 549990). Invitae Evidence Modeling of protein sequence and biophysical properties (such as structural, functional, and spatial information, amino acid conservation, physicochemical variation, residue mobility, and thermodynamic stability) indicates that this missense variant is expected to disrupt GLDC protein function with a positive predictive value of 95%. This variant disrupts the p.His580 amino acid residue in GLDC. Other variant(s) that disrupt this residue have been determined to be pathogenic (PMID: 27362913). This suggests that this residue is clinically significant, and that variants that disrupt this residue are likely to be disease-causing. For these reasons, this variant has been classified as Pathogenic.

Genome-Nilou Lab
Classification: Uncertain significance for Glycine encephalopathy 1. Last evaluated: 2021-05-18. Review status: criteria provided, single submitter. Criteria: ACMG Guidelines, 2015. Collection method: clinical testing. Allele origin: germline. Affected: no.

Counsyl
Classification: Uncertain significance for Glycine encephalopathy 1. Last evaluated: 2017-02-08. Review status: no assertion criteria provided. Collection method: clinical testing. Allele origin: unknown. Not counted in ClinVar's aggregate classification.

Literature cited by the submitters: PubMed 27362913 (cited by Labcorp Genetics (formerly Invitae), Labcorp and Counsyl); PubMed 26179960 (cited by Counsyl).